The following is an entry in ClinVar:

ClinVar aggregate classification (germline): Uncertain significance (1 of 4 stars; one submission).

gnomAD v4.1: 6 of 1,613,610 alleles (0.00037%); highest among the groups gnomAD compares: African/African-American, 0.008%; no homozygotes.

Submission:

Labcorp Genetics (formerly Invitae), Labcorp
Classification: Uncertain significance. Last evaluated: 2025-08-06. Review status: criteria provided, single submitter. Criteria: Invitae Variant Classification Sherloc (09022015). Collection method: clinical testing. Allele origin: germline.
Comment: This sequence change affects codon 446 of the LYN mRNA. It is a 'silent' change, meaning that it does not change the encoded amino acid sequence of the LYN protein. The frequency data for this variant in the population databases is considered unreliable, as metrics indicate poor data quality at this position in the gnomAD database. This variant has not been reported in the literature in individuals affected with LYN-related conditions. Algorithms developed to predict the effect of sequence changes on RNA splicing suggest that this variant may create or strengthen a splice site. In summary, the available evidence is currently insufficient to determine the role of this variant in disease. Therefore, it has been classified as a Variant of Uncertain Significance.

NM_002350.4(LYN):c.1338G>T (p.Gly446=)

Gene: LYN (LYN proto-oncogene, Src family tyrosine kinase; plus strand). Cytogenetic location: 8q12.1.
Variant type: single nucleotide variant.
Coding change: c.1338G>T on transcript NM_002350.4 (MANE Select); coding-DNA position 1338, G replaced by T.
Protein change: p.Gly446=; no amino-acid change (glycine 446 retained).
Molecular consequence: synonymous variant.
Genome position (GRCh38, 1-based): chr8:56,009,909, G>T. VCF-style: chr8-56009909-G-T. GRCh37 (hg19) VCF-style: chr8-56922468-G-T.
Other names: c.1275G>T, p.Gly425= (NM_001111097.3).
Identifiers: ClinVar variation 4754286 (VCV004754286.1).